The following is an entry in ClinVar:

ClinVar aggregate classification (germline): Uncertain significance (1 of 4 stars; one submission).

Allele frequency attached by ClinVar (database versions not stated): gnomAD 0.00001; gnomAD exomes 0.00001; TOPMed 0.00001.

Submission:

Ambry Genetics
Classification: Uncertain significance. Last evaluated: 2023-09-09. Review status: criteria provided, single submitter. Criteria: Ambry Variant Classification Scheme 2023. Collection method: clinical testing. Allele origin: germline.
Comment: The p.R735W variant (also known as c.2203A>T), located in coding exon 14 of the POLQ gene, results from an A to T substitution at nucleotide position 2203. The arginine at codon 735 is replaced by tryptophan, an amino acid with dissimilar properties. This amino acid position is conserved. In addition, this alteration is predicted to be tolerated by in silico analysis. Since supporting evidence is limited at this time, the clinical significance of this alteration remains unclear.

NM_199420.4(POLQ):c.2203A>T (p.Arg735Trp)

Gene: POLQ (DNA polymerase theta; minus strand). Cytogenetic location: 3q13.33.
Variant type: single nucleotide variant.
Coding change: c.2203A>T on transcript NM_199420.4 (MANE Select); coding-DNA position 2203, A replaced by T.
Protein change: p.Arg735Trp; replaces arginine 735 with tryptophan.
Molecular consequence: missense variant.
Genome position (GRCh38, 1-based): chr3:121,496,883, T>A on the plus strand (A>T on the coding strand, the complement: POLQ is on the minus strand). VCF-style: chr3-121496883-T-A. GRCh37 (hg19) VCF-style: chr3-121215730-T-A.
Other names: short protein forms R735W.
Identifiers: ClinVar variation 1787661 (VCV001787661.3), dbSNP rs537829929, ClinGen allele CA81841645.